The following is an entry in ClinVar:

ClinVar aggregate classification (germline): Benign (1 of 4 stars; one submission).

Submission:

GeneDx
Classification: Benign. Last evaluated: 2018-06-14. Review status: criteria provided, single submitter. Criteria: GeneDx Variant Classification (06012015). Collection method: clinical testing. Allele origin: germline. Affected: yes.
Comment: This variant is considered likely benign or benign based on one or more of the following criteria: it is a conservative change, it occurs at a poorly conserved position in the protein, it is predicted to be benign by multiple in silico algorithms, and/or has population frequency not consistent with disease.

NM_000138.5(FBN1):c.4747+141del

Gene: FBN1 (fibrillin 1; minus strand). Cytogenetic location: 15q21.1.
Variant type: Deletion.
Coding change: c.4747+141del on transcript NM_000138.5 (MANE Select); 141 bases into the intron after coding-DNA position 4747, one base deleted (A; older notation c.4747+141delA).
Molecular consequence: intron variant.
Genome position (GRCh38, 1-based): chr15:48,467,797, T deleted on the plus strand (A on the coding strand, the reverse complement: FBN1 is on the minus strand); the first of 2 consecutive T bases (chr15:48,467,797-48,467,798); deleting either gives the same sequence. VCF-style (leftmost placement, unchanged base first): chr15-48467796-AT-A. GRCh37 (hg19) VCF-style: chr15-48759993-AT-A.
Identifiers: ClinVar variation 674577 (VCV000674577.1), dbSNP rs3214935, ClinGen allele CA269551387.
Genomic context (GRCh38, chr15:48,467,796, plus strand): 5'-GTTACCTGCCCTACCTGATCTTTTAGTGTGAGCCAACCAGGAATATTTTCTGACTCTCGA[AT>A]TGGGAATAAGGTCCCCTCTACAGGGCTGAGAGGACTGATCTTTCTTCTCTGATCTAAGAG-3'